The following is an entry in ClinVar:

NM_001136035.4(TRMT1):c.324A>G (p.Gly108=)

Gene: TRMT1 (tRNA methyltransferase 1; minus strand). Cytogenetic location: 19p13.13.
Variant type: single nucleotide variant.
Coding change: c.324A>G on transcript NM_001136035.4 (MANE Select); coding-DNA position 324, A replaced by G.
Protein change: p.Gly108=; no amino-acid change (glycine 108 retained).
Molecular consequence: synonymous variant. On other transcripts: 5 prime UTR variant (1).
Genome position (GRCh38, 1-based): chr19:13,115,755, T>C on the plus strand (A>G on the coding strand, the complement: TRMT1 is on the minus strand). VCF-style: chr19-13115755-T-C. GRCh37 (hg19) VCF-style: chr19-13226569-T-C.
Other names: c.324A>G, p.Gly108= (NM_001351760.2, NM_017722.5, NM_001142554.3); c.216A>G, p.Gly72= (NM_001351761.2); c.-447A>G (NM_001351762.2).
Identifiers: ClinVar variation 3388536 (VCV003388536.14).
Genomic context (GRCh38, chr19:13,115,755, plus strand): 5'-TTCAACCTTTTCCTCCTCTTGCTCTGACAAGTCCACGACCACTTTTTGCGTGTCCTTCTC[T>C]CCTGGAACCTTGACTGCAGCCACCCAGAGGCACAAGTCAGAGAATAACAAGGTCCCCTCT-3'
Protein context (NP_001129507.1, residues 98-118): GAKGIQIKVP[Gly108=]EKDTQKVVVD

ClinVar aggregate classification (germline): Likely benign (1 of 4 stars; one submission).

gnomAD v4.1: 6 of 1,614,058 alleles (0.00037%); highest among the groups gnomAD compares: Non-Finnish European, 0.00051%; no homozygotes.

Submission:

CeGaT Center for Human Genetics Tuebingen
Classification: Likely benign. Last evaluated: 2024-11-01. Review status: criteria provided, single submitter. Criteria: CeGaT Center For Human Genetics Tuebingen Variant Classification Criteria Version 2. Collection method: clinical testing. Allele origin: germline. Affected: yes. Observed: 1 variant allele.
Comment: TRMT1: BP4, BP7